The following is an entry in ClinVar:

NM_173560.4(RFX6):c.1679-10C>T

Genes: RFX6 (regulatory factor X6; plus strand), LOC126859771 (BRD4-independent group 4 enhancer GRCh37_chr6:117246147-117247346; plus strand). Cytogenetic location: 6q22.1.
Variant type: single nucleotide variant.
Coding change: c.1679-10C>T on transcript NM_173560.4 (MANE Select); 10 bases into the intron before coding-DNA position 1679, C replaced by T.
Molecular consequence: intron variant.
Genome position (GRCh38, 1-based): chr6:116,925,443, C>T. VCF-style: chr6-116925443-C-T. GRCh37 (hg19) VCF-style: chr6-117246606-C-T.
Identifiers: ClinVar variation 739061 (VCV000739061.10), dbSNP rs199809402, ClinGen allele CA3973384.

ClinVar aggregate classification (germline): Likely benign. Review status: criteria provided, single submitter (1 of 4 stars). 2 submissions from 2 submitters: Likely benign (1). 1 of the submissions does not count toward it. Last evaluated 2025-09-15.

Conditions:
RFX6-related disorder. Also called: RFX6-related condition.

Allele frequency attached by ClinVar (database versions not stated): gnomAD exomes 0.00002 and 0.00009; ExAC 0.00012; 1000 Genomes Project 0.00020; gnomAD 0.00026 and 0.00031; TOPMed 0.00030; 1000 Genomes Project 30x 0.00031; ESP Exome Variant Server 0.00046.

Submissions (2):

Labcorp Genetics (formerly Invitae), Labcorp
Classification: Likely benign. Last evaluated: 2025-09-15. Review status: criteria provided, single submitter. Criteria: Invitae Variant Classification Sherloc (09022015). Collection method: clinical testing. Allele origin: germline.

PreventionGenetics, part of Exact Sciences
Classification: Likely benign for RFX6-related condition. Last evaluated: 2019-08-28. Review status: no assertion criteria provided. Collection method: clinical testing. Allele origin: germline. Not counted in ClinVar's aggregate classification.
Comment: This variant is classified as likely benign based on ACMG/AMP sequence variant interpretation guidelines (Richards et al. 2015 PMID: 25741868, with internal and published modifications).